The following is an entry in ClinVar:

NM_002474.3(MYH11):c.2100G>T (p.Arg700=)

Gene: MYH11 (myosin heavy chain 11; minus strand). Cytogenetic location: 16p13.11.
Variant type: single nucleotide variant.
Coding change: c.2100G>T on transcript NM_002474.3 (MANE Select); coding-DNA position 2100, G replaced by T.
Protein change: p.Arg700=; no amino-acid change (arginine 700 retained).
Molecular consequence: synonymous variant.
Genome position (GRCh38, 1-based): chr16:15,748,127, C>A on the plus strand (G>T on the coding strand, the complement: MYH11 is on the minus strand). VCF-style: chr16-15748127-C-A. GRCh37 (hg19) VCF-style: chr16-15841984-C-A.
Other names: c.2121G>T, p.Arg707= (NM_001040113.2, NM_001040114.2); c.2100G>T, p.Arg700= (NM_022844.3).
Identifiers: ClinVar variation 3070519 (VCV003070519.2), dbSNP rs1259808511, ClinGen allele CA493792475.

ClinVar aggregate classification (germline): Likely benign. Review status: criteria provided, multiple submitters, no conflicts (2 of 4 stars). 2 submissions from 2 submitters: Likely benign (2). Last evaluated 2025-02-28.

Conditions:
Familial thoracic aortic aneurysm and aortic dissection (TAAD). Also called: Thoracic aortic aneurysms and dissections. Identifiers: Orphanet 91387, MedGen C4707243, MONDO:0019625.
Aortic aneurysm, familial thoracic 4 (AAT4). Also called: AORTIC ANEURYSM/AORTIC DISSECTION AND PATENT DUCTUS ARTERIOSUS. Identifiers: MedGen C1851504, MONDO:0007568, OMIM 132900.

Submissions (2):

Labcorp Genetics (formerly Invitae), Labcorp
Classification: Likely benign for Aortic aneurysm, familial thoracic 4. Last evaluated: 2025-02-28. Review status: criteria provided, single submitter. Criteria: Invitae Variant Classification Sherloc (09022015). Collection method: clinical testing. Allele origin: germline.

All of Us Research Program, National Institutes of Health
Classification: Likely benign for Familial thoracic aortic aneurysm and aortic dissection. Last evaluated: 2023-04-28. Review status: criteria provided, single submitter. Criteria: ACMG Guidelines, 2015. Collection method: clinical testing. Allele origin: germline. Inheritance: Autosomal dominant inheritance. Observed: 2 variant alleles, 2 heterozygotes.
Comment: This study involves interpretation of variants in research participants for the purpose of population health screening. Participant phenotype was not available at the time of variant classification. Additional details can be found in publication PMID: 35346344, PMCID: PMC8962531